The following is an entry in ClinVar:

ClinVar aggregate classification (germline): Uncertain significance (1 of 4 stars; one submission).

Conditions:
Inborn genetic diseases. Identifiers: MedGen C0950123, MeSH D030342.

Submission:

Ambry Genetics
Classification: Uncertain significance for Inborn genetic diseases. Last evaluated: 2024-01-19. Review status: criteria provided, single submitter. Criteria: Ambry Variant Classification Scheme 2023. Collection method: clinical testing. Allele origin: germline.
Comment: The p.S816C variant (also known as c.2447C>G), located in coding exon 19 of the LRRK2 gene, results from a C to G substitution at nucleotide position 2447. The serine at codon 816 is replaced by cysteine, an amino acid with dissimilar properties. This amino acid position is conserved. In addition, the in silico prediction for this alteration is inconclusive. Since supporting evidence is limited at this time, the clinical significance of this alteration remains unclear.

NM_198578.4(LRRK2):c.2447C>G (p.Ser816Cys)

Gene: LRRK2 (leucine rich repeat kinase 2; plus strand). Cytogenetic location: 12q12.
Variant type: single nucleotide variant.
Coding change: c.2447C>G on transcript NM_198578.4 (MANE Select); coding-DNA position 2447, C replaced by G.
Protein change: p.Ser816Cys; replaces serine 816 with cysteine.
Molecular consequence: missense variant.
Genome position (GRCh38, 1-based): chr12:40,284,080, C>G. VCF-style: chr12-40284080-C-G. GRCh37 (hg19) VCF-style: chr12-40677882-C-G.
Other names: short protein forms S816C.
Identifiers: ClinVar variation 1791409 (VCV001791409.2), dbSNP rs2499665297, ClinGen allele CA384407277.